The following is an entry in ClinVar:

NM_000238.4(KCNH2):c.173A>G (p.Glu58Gly)

Gene: KCNH2 (potassium voltage-gated channel subfamily H member 2; minus strand). Cytogenetic location: 7q36.1.
Variant type: single nucleotide variant.
Coding change: c.173A>G on transcript NM_000238.4 (MANE Select); coding-DNA position 173, A replaced by G.
Protein change: p.Glu58Gly; replaces glutamic acid 58 with glycine.
Molecular consequence: missense variant.
Genome position (GRCh38, 1-based): chr7:150,974,845, T>C on the plus strand (A>G on the coding strand, the complement: KCNH2 is on the minus strand). VCF-style: chr7-150974845-T-C. GRCh37 (hg19) VCF-style: chr7-150671933-T-C.
Other names: p.E58G:GAG>GGG; c.173A>G (LRG_288t1); c.-5A>G (NM_001406755.1); c.173A>G, p.Glu58Gly (NM_172056.3); short protein forms E58G.
Identifiers: ClinVar variation 67257 (VCV000067257.5), dbSNP rs199472847, ClinGen allele CA005331.

ClinVar aggregate classification (germline): Likely pathogenic. Review status: criteria provided, single submitter (1 of 4 stars). 2 submissions from 2 submitters: Likely pathogenic (1). 1 of the submissions does not count toward it. Last evaluated 2021-01-14.

Conditions:
Familial long QT syndrome (RWS). Also called: Congenital long QT syndrome; Romano-Ward syndrome; VENTRICULAR FIBRILLATION WITH PROLONGED QT INTERVAL. Identifiers: Orphanet 768, MedGen C1141890, MONDO:0019171.

Submissions (2):

GeneDx
Classification: Likely pathogenic. Last evaluated: 2021-01-14. Review status: criteria provided, single submitter. Criteria: GeneDx Variant Classification Process June 2021. Collection method: clinical testing. Allele origin: germline. Affected: yes.
Comment: Not observed in large population cohorts (Lek et al., 2016); In silico analysis supports that this missense variant has a deleterious effect on protein structure/function; This variant is associated with the following publications: (PMID: 16414944, 25417810, 22581653, 32475984)

Cardiovascular Biomedical Research Unit, Royal Brompton & Harefield NHS Foundation Trust
No classification provided. Condition: Familial long QT syndrome. Review status: no classification provided. Collection method: literature only. Allele origin: germline. Not counted in ClinVar's aggregate classification.
Comment: This variant has been reported as associated with Long QT syndrome in the following publications (PMID:16414944). This is a literature report, and does not necessarily reflect the clinical interpretation of the Imperial College / Royal Brompton Cardiovascular Genetics laboratory.

Literature cited by the submitters: PubMed 16414944 (cited by Cardiovascular Biomedical Research Unit, Royal Brompton & Harefield NHS Foundation Trust); PubMed 22581653 (cited by Cardiovascular Biomedical Research Unit, Royal Brompton & Harefield NHS Foundation Trust).